The following is an entry in ClinVar:

ClinVar aggregate classification (germline): Uncertain significance (1 of 4 stars; one submission).

Conditions:
Charcot-Marie-Tooth disease type 2. Also called: Charcot-Marie-Tooth type 2. Identifiers: Orphanet 64746, MedGen C0270914, MONDO:0018993.

gnomAD v4.1: 2 of 1,613,742 alleles (0.00012%); highest among the groups gnomAD compares: African/African-American, 0.0027%; no homozygotes.

Submission:

Labcorp Genetics (formerly Invitae), Labcorp
Classification: Uncertain significance for Charcot-Marie-Tooth disease type 2. Last evaluated: 2025-01-23. Review status: criteria provided, single submitter. Criteria: Invitae Variant Classification Sherloc (09022015). Collection method: clinical testing. Allele origin: germline.
Comment: This sequence change replaces alanine, which is neutral and non-polar, with threonine, which is neutral and polar, at codon 499 of the LMNA protein (p.Ala499Thr). This variant is present in population databases (no rsID available, gnomAD 0.004%). This variant has not been reported in the literature in individuals affected with LMNA-related conditions. Invitae Evidence Modeling of protein sequence and biophysical properties (such as structural, functional, and spatial information, amino acid conservation, physicochemical variation, residue mobility, and thermodynamic stability) indicates that this missense variant is expected to disrupt LMNA protein function with a positive predictive value of 95%. In summary, the available evidence is currently insufficient to determine the role of this variant in disease. Therefore, it has been classified as a Variant of Uncertain Significance.

NM_170707.4(LMNA):c.1495G>A (p.Ala499Thr)

Gene: LMNA (lamin A/C; plus strand). Cytogenetic location: 1q22.
Variant type: single nucleotide variant.
Coding change: c.1495G>A on transcript NM_170707.4 (MANE Select); coding-DNA position 1495, G replaced by A.
Protein change: p.Ala499Thr; replaces alanine 499 with threonine.
Molecular consequence: missense variant.
Genome position (GRCh38, 1-based): chr1:156,137,119, G>A. VCF-style: chr1-156137119-G-A. GRCh37 (hg19) VCF-style: chr1-156106910-G-A.
Other names: c.1159G>A, p.Ala387Thr (NM_001257374.3, NM_001406998.1, NM_001406989.1); c.937G>A, p.Ala313Thr (NM_001406990.1, NM_001406993.1, NM_001406995.1 and 4 more transcripts); c.1495G>A, p.Ala499Thr (NM_001406991.1, NM_001406992.1, NM_005572.4 and 6 more transcripts); c.871G>A, p.Ala291Thr (NM_001406994.1, NM_001406999.1, NM_001407000.1 and 1 more transcripts); c.1252G>A, p.Ala418Thr (NM_001282624.2, NM_001406986.1, NM_001406987.1); c.1198G>A, p.Ala400Thr (NM_001406988.1); short protein forms A313T, A400T, A499T, A291T, A418T, A387T.
Identifiers: ClinVar variation 3696351 (VCV003696351.2).
Genomic context (GRCh38, chr1:156,137,119, plus strand): 5'-AGGCCTTGGGTGGCGATGGGAGCGCTGGGGTAAGTGTCCTTTTCTCCTCTCCAGATCTGG[G>A]CTGCAGGAGCTGGGGCCACCCACAGCCCCCCTACCGACCTGGTGTGGAAGGCACAGAACA-3'
Protein context (NP_733821.1, residues 489-509): LKAGQVVTIW[Ala499Thr]AGAGATHSPP